The following is an entry in ClinVar:

ClinVar aggregate classification (germline): Uncertain significance. Review status: criteria provided, multiple submitters, no conflicts (2 of 4 stars). 3 submissions from 3 submitters: Uncertain significance (3). Last evaluated 2023-09-19.

Conditions:
Pierson syndrome. Also called: MICROCORIA-CONGENITAL NEPHROTIC SYNDROME. Identifiers: Orphanet 2670, MedGen C1836876, MONDO:0012184, OMIM 609049.
LAMB2-related infantile-onset nephrotic syndrome. Also called: NEPHROTIC SYNDROME, TYPE 5, WITHOUT OCULAR ABNORMALITIES; NEPHROTIC SYNDROME, TYPE 5, WITH OCULAR ABNORMALITIES; Nephrotic Syndrome, type 5. Identifiers: Orphanet 306507, MedGen C3280113, MONDO:0013621, OMIM 614199.
Inborn genetic diseases. Identifiers: MedGen C0950123, MeSH D030342.

Allele frequency attached by ClinVar (database versions not stated): gnomAD exomes below 0.00001; gnomAD 0.00001; TOPMed 0.00002.
gnomAD v4.1: 5 of 1,613,286 alleles (0.00031%); highest among the groups gnomAD compares: Non-Finnish European, 0.00042%; no homozygotes.

Submissions (3):

Ambry Genetics
Classification: Uncertain significance for Inborn genetic diseases. Last evaluated: 2023-09-19. Review status: criteria provided, single submitter. Criteria: Ambry Variant Classification Scheme 2023. Collection method: clinical testing. Allele origin: germline.

Labcorp Genetics (formerly Invitae), Labcorp
Classification: Uncertain significance for LAMB2-related infantile-onset nephrotic syndrome; Pierson syndrome. Last evaluated: 2022-07-05. Review status: criteria provided, single submitter. Criteria: Invitae Variant Classification Sherloc (09022015). Collection method: clinical testing. Allele origin: germline.
Comment: In summary, the available evidence is currently insufficient to determine the role of this variant in disease. Therefore, it has been classified as a Variant of Uncertain Significance. Algorithms developed to predict the effect of missense changes on protein structure and function output the following: SIFT: "Tolerated"; PolyPhen-2: "Benign"; Align-GVGD: "Class C0". The alanine amino acid residue is found in multiple mammalian species, which suggests that this missense change does not adversely affect protein function. ClinVar contains an entry for this variant (Variation ID: 472480). This variant has not been reported in the literature in individuals affected with LAMB2-related conditions. This variant is not present in population databases (gnomAD no frequency). This sequence change replaces threonine, which is neutral and polar, with alanine, which is neutral and non-polar, at codon 1255 of the LAMB2 protein (p.Thr1255Ala).

Fulgent Genetics
Classification: Uncertain significance for Pierson syndrome; LAMB2-related infantile-onset nephrotic syndrome. Last evaluated: 2022-01-11. Review status: criteria provided, single submitter. Criteria: ACMG Guidelines, 2015. Collection method: clinical testing. Allele origin: unknown.

NM_002292.4(LAMB2):c.3763A>G (p.Thr1255Ala)

Gene: LAMB2 (laminin subunit beta 2; minus strand). Cytogenetic location: 3p21.31.
Variant type: single nucleotide variant.
Coding change: c.3763A>G on transcript NM_002292.4 (MANE Select); coding-DNA position 3763, A replaced by G.
Protein change: p.Thr1255Ala; replaces threonine 1255 with alanine.
Molecular consequence: missense variant.
Genome position (GRCh38, 1-based): chr3:49,123,762, T>C on the plus strand (A>G on the coding strand, the complement: LAMB2 is on the minus strand). VCF-style: chr3-49123762-T-C. GRCh37 (hg19) VCF-style: chr3-49161195-T-C.
Other names: short protein forms T1255A.
Identifiers: ClinVar variation 472480 (VCV000472480.8), dbSNP rs1180166011, ClinGen allele CA352704371.